The following is an entry in ClinVar:

NM_020435.4(GJC2):c.310del (p.Arg104fs)

Gene: GJC2 (gap junction protein gamma 2; plus strand). Cytogenetic location: 1q42.13.
Variant type: Deletion.
Coding change: c.310del on transcript NM_020435.4 (MANE Select); coding-DNA position 310, one base deleted (C; older notation c.310delC).
Protein change: p.Arg104fs; shifts the reading frame from arginine 104.
Molecular consequence: frameshift variant.
Genome position (GRCh38, 1-based): chr1:228,158,068, C deleted; the last of 3 consecutive C bases (chr1:228,158,066-228,158,068); deleting any one gives the same sequence. VCF-style (leftmost placement, unchanged base first): chr1-228158065-GC-G. GRCh37 (hg19) VCF-style: chr1-228345766-GC-G.
Other names: c.310delC (NM_020435.3); short protein forms R104fs.
Identifiers: ClinVar variation 418895 (VCV000418895.8), dbSNP rs1064793505, ClinGen allele CA16617079.

ClinVar aggregate classification (germline): Likely pathogenic. Review status: criteria provided, multiple submitters, no conflicts (2 of 4 stars). 2 submissions from 2 submitters: Likely pathogenic (2). Last evaluated 2025-06-02.

Conditions:
Leukodystrophy, hypomyelinating, 2. Also called: PELIZAEUS-MERZBACHER-LIKE DISEASE, 1. Identifiers: Orphanet 280270, Orphanet 280282, MedGen C1837355, MONDO:0012125, OMIM 608804.

Submissions (2):

GeneDx
Classification: Likely pathogenic. Last evaluated: 2025-06-02. Review status: criteria provided, single submitter. Criteria: GeneDx Variant Classification Process June 2021. Collection method: clinical testing. Allele origin: germline. Affected: yes.
Comment: Frameshift variant predicted to result in abnormal protein length as the last 336 amino acids are replaced with 105 different amino acids, and other similar variants have been reported in HGMD; Not observed at significant frequency in large population cohorts (gnomAD); Has not been previously published as pathogenic or benign to our knowledge

Molecular Diagnostics Lab, Nemours Children's Health, Delaware
Classification: Likely pathogenic for Leukodystrophy, hypomyelinating, 2. Last evaluated: 2021-04-19. Review status: criteria provided, single submitter. Criteria: ACMG Guidelines, 2015. Collection method: clinical testing. Allele origin: maternal, unknown. Inheritance: Autosomal recessive inheritance. Affected: yes and no. Observed: 1 heterozygote, 4 compound heterozygotes.
Comment: This variant (c.310delC, p.Arg104Valfs*106) predicts a frameshift to a premature stop. The change was not observed in population databases and has not been reported in the literature. It was found in two unrelated cases.